The following is an entry in ClinVar:

NM_002224.4(ITPR3):c.6341T>C (p.Leu2114Pro)

Gene: ITPR3 (inositol 1,4,5-trisphosphate receptor type 3; plus strand). Cytogenetic location: 6p21.31.
Variant type: single nucleotide variant.
Coding change: c.6341T>C on transcript NM_002224.4 (MANE Select); coding-DNA position 6341, T replaced by C.
Protein change: p.Leu2114Pro; replaces leucine 2114 with proline.
Molecular consequence: missense variant.
Genome position (GRCh38, 1-based): chr6:33,688,133, T>C. VCF-style: chr6-33688133-T-C. GRCh37 (hg19) VCF-style: chr6-33655910-T-C.
Other names: short protein forms L2114P.
Identifiers: ClinVar variation 5022857 (VCV005022857.1).
Genomic context (GRCh38, chr6:33,688,133, plus strand): 5'-AGCAGCTGTCACAGATGCTCAAGTCCTCAGCGCCAGCACAGGAGGAGGAGGAAGACCCCC[T>C]GGCCTACTATGAGAACCACACGTCCCAGATCGAGGTGGGCCTGTGGGCAGCAGGGGCGGG-3'
Protein context (NP_002215.2, residues 2104-2124): APAQEEEEDP[Leu2114Pro]AYYENHTSQI

ClinVar aggregate classification (germline): Uncertain significance (1 of 4 stars; one submission).

Submission:

Ambry Genetics
Classification: Uncertain significance. Last evaluated: 2026-06-24. Review status: criteria provided, single submitter. Criteria: Ambry Variant Classification Scheme 2023. Collection method: clinical testing. Allele origin: germline.
Comment: The c.6341T>C (p.L2114P) alteration is located in exon 47 (coding exon 47) of the ITPR3 gene. This alteration results from a T to C substitution at nucleotide position 6341, causing the leucine (L) at amino acid position 2114 to be replaced by a proline (P). This variant was not reported in population-based cohorts in the Genome Aggregation Database (gnomAD). This amino acid position is highly conserved in available vertebrate species. This alteration is predicted to be deleterious by in silico analysis. Based on insufficient or conflicting evidence, the clinical significance of this alteration remains unclear.